The following is an entry in ClinVar:

NM_001376571.1(MADD):c.2429G>A (p.Arg810Gln)

Gene: MADD (MAP kinase activating death domain; plus strand). Cytogenetic location: 11p11.2.
Variant type: single nucleotide variant.
Coding change: c.2429G>A on transcript NM_001376571.1 (MANE Select); coding-DNA position 2429, G replaced by A.
Protein change: p.Arg810Gln; replaces arginine 810 with glutamine.
Molecular consequence: missense variant. On other transcripts: non-coding transcript variant (8), intron variant (4).
Genome position (GRCh38, 1-based): chr11:47,285,468, G>A. VCF-style: chr11-47285468-G-A. GRCh37 (hg19) VCF-style: chr11-47307019-G-A.
Other names: c.2300G>A, p.Arg767Gln (NM_001376586.1, NM_001376595.1, NM_001376597.1 and 41 more transcripts); c.2429G>A, p.Arg810Gln (NM_001376593.1, NM_001376594.1, NM_001376596.1 and 31 more transcripts); c.2225G>A, p.Arg742Gln (NM_001376620.1, NM_001376657.1, NM_001376626.1 and 1 more transcripts); c.2096G>A, p.Arg699Gln (NM_001376635.1, NM_001376654.1, NM_001376659.1 and 5 more transcripts); c.2276G>A, p.Arg759Gln (NM_001376602.1); c.1763G>A, p.Arg588Gln (NM_001376663.1); c.2412-10G>A (NM_001376631.1, NM_001376578.1); c.2283-10G>A (NM_001376632.1, NM_001376649.1); short protein forms R588Q, R699Q, R742Q, R759Q, R767Q, R810Q.
Identifiers: ClinVar variation 4527572 (VCV004527572.1).

ClinVar aggregate classification (germline): Uncertain significance (1 of 4 stars; one submission).

gnomAD v4.1: 7 of 1,614,000 alleles (0.00043%); highest among the groups gnomAD compares: African/African-American, 0.0027%; no homozygotes.

Submission:

GeneDx
Classification: Uncertain significance. Last evaluated: 2025-05-01. Review status: criteria provided, single submitter. Criteria: GeneDx Variant Classification Process June 2021. Collection method: clinical testing. Allele origin: germline. Affected: yes.
Comment: Not observed at significant frequency in large population cohorts (gnomAD); In silico analysis is inconclusive as to whether the variant alters gene splicing. In the absence of RNA/functional studies, the actual effect of this sequence change is unknown.; In silico analysis suggests that this missense variant does not alter protein structure/function; Has not been previously published as pathogenic or benign to our knowledge